The following is an entry in ClinVar:

ClinVar aggregate classification (germline): Uncertain significance. Review status: criteria provided, multiple submitters, no conflicts (2 of 4 stars). 3 submissions from 3 submitters: Uncertain significance (3). Last evaluated 2026-01-20.

Allele frequency attached by ClinVar (database versions not stated): gnomAD exomes 0.00010 and 0.00016; ESP Exome Variant Server 0.00049; 1000 Genomes Project 0.00060; ExAC 0.00063; 1000 Genomes Project 30x 0.00094; gnomAD 0.00126 and 0.00139; TOPMed 0.00137.
gnomAD v4.1: 336 of 1,508,586 alleles (0.022%); highest among the groups gnomAD compares: African/African-American, 0.43%; 1 homozygote.

Submissions (3):

Women's Health and Genetics/Laboratory Corporation of America, LabCorp
Classification: Uncertain significance. Last evaluated: 2026-01-20. Review status: criteria provided, single submitter. Criteria: LabCorp Variant Classification Summary - May 2015. Collection method: clinical testing. Allele origin: germline.
Comment: Variant summary: SPTBN4 c.3382C>G (p.Leu1128Val) results in a conservative amino acid change in the encoded protein sequence. Algorithms developed to predict the effect of missense changes on protein structure and function are either unavailable or do not agree on the potential impact of this missense change. The variant allele was found at a frequency of 0.00016 in 108664 control chromosomes. This frequency is not significantly higher than estimated for disease-causing variants in SPTBN4, allowing no conclusion about variant significance. To our knowledge, no occurrence of c.3382C>G in individuals affected with SPTBN4-related conditions and no experimental evidence demonstrating its impact on protein function have been reported. ClinVar contains an entry for this variant (Variation ID: 1309599). Based on the evidence outlined above, the variant was classified as uncertain significance.

GeneDx
Classification: Uncertain significance. Last evaluated: 2024-02-09. Review status: criteria provided, single submitter. Criteria: GeneDx Variant Classification Process June 2021. Collection method: clinical testing. Allele origin: germline. Affected: yes.
Comment: In silico analysis supports that this missense variant has a deleterious effect on protein structure/function; Has not been previously published as pathogenic or benign to our knowledge

Breakthrough Genomics
Classification: Uncertain significance. Review status: criteria provided, single submitter. Criteria: ACMG Guidelines, 2015. Collection method: not provided. Allele origin: germline. Inheritance: Autosomal dominant inheritance. Affected: yes.

NM_020971.3(SPTBN4):c.3382C>G (p.Leu1128Val)

Gene: SPTBN4 (spectrin beta, non-erythrocytic 4; plus strand). Cytogenetic location: 19q13.2.
Variant type: single nucleotide variant.
Coding change: c.3382C>G on transcript NM_020971.3 (MANE Select); coding-DNA position 3382, C replaced by G.
Protein change: p.Leu1128Val; replaces leucine 1128 with valine.
Molecular consequence: missense variant.
Genome position (GRCh38, 1-based): chr19:40,519,879, C>G. VCF-style: chr19-40519879-C-G. GRCh37 (hg19) VCF-style: chr19-41025786-C-G.
Other names: short protein forms L1128V.
Identifiers: ClinVar variation 1309599 (VCV001309599.7), dbSNP rs191168879, ClinGen allele CA9445996.